The following is an entry in ClinVar:

NM_018124.4(RFWD3):c.1965G>C (p.Arg655Ser)

Gene: RFWD3 (ring finger and WD repeat domain 3; minus strand). Cytogenetic location: 16q23.1.
Variant type: single nucleotide variant.
Coding change: c.1965G>C on transcript NM_018124.4 (MANE Select); coding-DNA position 1965, G replaced by C.
Protein change: p.Arg655Ser; replaces arginine 655 with serine.
Molecular consequence: missense variant.
Genome position (GRCh38, 1-based): chr16:74,628,456, C>G on the plus strand (G>C on the coding strand, the complement: RFWD3 is on the minus strand). VCF-style: chr16-74628456-C-G. GRCh37 (hg19) VCF-style: chr16-74662354-C-G.
Other names: c.1965G>C, p.Arg655Ser (NM_001370534.1, NM_001370535.1); c.1788G>C, p.Arg596Ser (NM_001370536.1); c.1131G>C, p.Arg377Ser (NM_001370537.1, NM_001370539.1, NM_001370540.1 and 3 more transcripts); short protein forms R596S, R655S, R377S.
Identifiers: ClinVar variation 1993079 (VCV001993079.4), dbSNP rs1322337193, ClinGen allele CA396759637.

ClinVar aggregate classification (germline): Uncertain significance (1 of 4 stars; one submission).

Allele frequency attached by ClinVar (database versions not stated): gnomAD exomes below 0.00001; TOPMed below 0.00001.
gnomAD v4.1: 2 of 1,614,066 alleles (0.00012%); highest among the groups gnomAD compares: Non-Finnish European, 0.00017%; no homozygotes.

Submission:

Labcorp Genetics (formerly Invitae), Labcorp
Classification: Uncertain significance. Last evaluated: 2022-05-16. Review status: criteria provided, single submitter. Criteria: Invitae Variant Classification Sherloc (09022015). Collection method: clinical testing. Allele origin: germline.
Comment: In summary, the available evidence is currently insufficient to determine the role of this variant in disease. Therefore, it has been classified as a Variant of Uncertain Significance. Algorithms developed to predict the effect of missense changes on protein structure and function (SIFT, PolyPhen-2, Align-GVGD) all suggest that this variant is likely to be disruptive. This variant has not been reported in the literature in individuals affected with RFWD3-related conditions. This variant is present in population databases (no rsID available, gnomAD 0.0009%). This sequence change replaces arginine, which is basic and polar, with serine, which is neutral and polar, at codon 655 of the RFWD3 protein (p.Arg655Ser).